The following is an entry in ClinVar:

ClinVar aggregate classification (germline): Likely pathogenic (1 of 4 stars; one submission).

Conditions:
Primary dilated cardiomyopathy (DCM). Also called: Dilated Cardiomyopathy. Identifiers: Orphanet 217604, MedGen C0007193, MeSH D002311, MONDO:0005021, HP:0001644. Inheritance: Various modes of inheritance.

Submission:

Laboratory for Molecular Medicine, Mass General Brigham Personalized Medicine
Classification: Likely pathogenic for Primary dilated cardiomyopathy. Last evaluated: 2017-05-09. Review status: criteria provided, single submitter. Criteria: LMM Criteria. Collection method: clinical testing. Allele origin: germline. Observed: 2 variant alleles.
Comment: It has not been identified in large population studies, though the ability of these studies to accurately detect indels may be limited. This varia nt is predicted to cause a frameshift, which alters the protein?s amino acid seq uence beginning at position 179 and leads to a premature termination codon 4 ami no acids downstream. This alteration is then predicted to lead to a truncated or absent protein. Frameshift and nonsense variants in DSP are strongly associated with DCM. In summary, although additional studies are required to fully establi sh its clinical significance, the p.Gly179fs variant is likely pathogenic.

NM_004415.4(DSP):c.534_535insA (p.Gly179fs)

Gene: DSP (desmoplakin; plus strand). Cytogenetic location: 6p24.3.
Variant type: Insertion.
Coding change: c.534_535insA on transcript NM_004415.4 (MANE Select); coding-DNA positions 534 to 535, A inserted.
Protein change: p.Gly179fs; shifts the reading frame from glycine 179.
Molecular consequence: frameshift variant.
Genome position: GRCh38 VCF-style: chr6-7559337-T-TA. GRCh37 (hg19) VCF-style: chr6-7559570-T-TA.
Other names: c.534_535insA, p.Gly179fs (NM_001008844.3, NM_001319034.2); short protein forms G179fs.
Identifiers: ClinVar variation 44927 (VCV000044927.4), dbSNP rs397516945, ClinGen allele CA006444.
Genomic context (GRCh38, chr6:7,559,337, plus strand): 5'-CCCTCGAGTCCGCAGGGCCAGCTCCAAGGGTGGTGGAGGCTACACTTGTCAGAGTGGCTC[T>TA]GGCTGGGATGAGTTCACCAAACATGTCACCAGTGAATGTTTGGGGTGGATGAGGCAGCAA-3'